The following is an entry in ClinVar:

ClinVar aggregate classification (germline): Pathogenic. Review status: criteria provided, multiple submitters, no conflicts (2 of 4 stars). 2 submissions from 2 submitters: Pathogenic (2). Last evaluated 2026-09-08.

Conditions:
Fabry disease. Also called: ALPHA-GALACTOSIDASE A DEFICIENCY; ANDERSON-FABRY DISEASE; CERAMIDE TRIHEXOSIDASE DEFICIENCY; Fabry's disease; Ceramide trihexosidosis; GLA DEFICIENCY. Identifiers: Orphanet 324, MedGen C0002986, MONDO:0010526, OMIM 301500, HP:0001071. Disease mechanism: Fabry disease is due to inactivating mutations in the X-linked GLA gene resulting in deficiency of the enzyme Alpha Galactosidase-A., loss of function.

Submissions (2):

Genomenon, Inc
Classification: Pathogenic for Fabry disease. Last evaluated: 2026-09-08. Review status: criteria provided, single submitter. Criteria: Genomenon Sequence Variant Interpretation Standards - Updated. Collection method: curation. Allele origin: germline. Affected: yes.
Comment: GLA p.Ala190ProfsTer2 (c.568del) is a frameshift variant that is predicted to introduce a premature termination codon and result in a truncated or absent protein product. This variant has been observed in at least one proband with clinical features consistent with Fabry disease (PMID:16148726;37940383;33437642;37895103;12175777;29982630). Functional or patient cell studies have been reported (PMID:38638148;37895103;29982630;38618884). It is absent or not present at a significant frequency in gnomAD. In conclusion, we classify GLA p.Ala190ProfsTer2 (c.568del) as a pathogenic variant.

Revvity Omics, Revvity
Classification: Pathogenic. Last evaluated: 2022-08-22. Review status: criteria provided, single submitter. Criteria: ACMG Guidelines, 2015. Collection method: clinical testing. Allele origin: germline.

Literature cited by the submitters: PubMed 16148726 (cited by Genomenon, Inc); PubMed 37940383 (cited by Genomenon, Inc); PubMed 33437642 (cited by Genomenon, Inc); PubMed 37895103 (cited by Genomenon, Inc); PubMed 12175777 (cited by Genomenon, Inc); PubMed 29982630 (cited by Genomenon, Inc); PubMed 38638148 (cited by Genomenon, Inc); PubMed 38618884 (cited by Genomenon, Inc).

NM_000169.3(GLA):c.568del (p.Ala190fs)

Genes: GLA (galactosidase alpha; minus strand), RPL36A-HNRNPH2 (RPL36A-HNRNPH2 readthrough; plus strand). Cytogenetic location: Xq22.1.
Variant type: Deletion.
Coding change: c.568del on transcript NM_000169.3 (MANE Select); coding-DNA position 568, one base deleted (G; older notation c.568delG).
Protein change: p.Ala190fs; shifts the reading frame from alanine 190.
Molecular consequence: frameshift variant. On other transcripts: non-coding transcript variant (2), intron variant (2).
Genome position (GRCh38, 1-based): chrX:101,400,737, C deleted on the plus strand (G on the coding strand, the reverse complement: GLA is on the minus strand); the first of 2 consecutive C bases (chrX:101,400,737-101,400,738); deleting either gives the same sequence. VCF-style (leftmost placement, unchanged base first): chrX-101400736-GC-G. GRCh37 (hg19) VCF-style: chrX-100655724-GC-G.
Other names: c.567delG, p.Ala190Profs (NM_000169.2); c.691del, p.Ala231fs (NM_001406747.1); c.568del, p.Ala190fs (NM_001406748.1); c.300+5281del (NM_001199973.2); c.177+8916del (NM_001199974.2); short protein forms A190fs, A231fs.
Identifiers: ClinVar variation 2436570 (VCV002436570.5), dbSNP rs2520887376, ClinGen allele CA517520780.
Genomic context (GRCh38, chrX:101,400,736, plus strand): 5'-GGCCACATATAAAGAGGCCACTCACAGGAGTACACAATGCTTCTGCCAGTCCTATTCAGG[GC>G]CAAGGACATGTGCTTATAACCTGTATGAGAAAACAATGGGTAAAATAAGGGAAAGAAATG-3'